The following is an entry in ClinVar:

ClinVar aggregate classification (germline): Conflicting classifications of pathogenicity. Review status: criteria provided, conflicting classifications (1 of 4 stars). 13 submissions from 13 submitters: Uncertain significance (10); Likely benign (2). 1 of the submissions does not count toward it. Last evaluated 2026-01-25.

Conditions:
STK11-related disorder. Also called: STK11-related condition.
Hereditary cancer-predisposing syndrome. Also called: Neoplastic Syndromes, Hereditary; Tumor predisposition; Hereditary neoplastic syndrome; Hereditary Cancer Syndrome. Identifiers: Orphanet 140162, MedGen C0027672, MeSH D009386, MONDO:0015356.
Melanoma, cutaneous malignant, susceptibility to, 1 (CMM1). Also called: DYSPLASTIC NEVUS SYNDROME, HEREDITARY; FAMILIAL ATYPICAL MOLE-MALIGNANT MELANOMA SYNDROME; B-K MOLE SYNDROME; MELANOMA, MALIGNANT. Identifiers: Orphanet 618, MedGen C1835047, MONDO:0007963, OMIM 155600.
Peutz-Jeghers syndrome (PJS). Also called: Peutz-Jeghers polyposis; Periorificial lentiginosis syndrome; POLYPOSIS, HAMARTOMATOUS INTESTINAL; POLYPS-AND-SPOTS SYNDROME. Identifiers: Orphanet 2869, MedGen C0031269, MeSH D010580, MONDO:0008280, OMIM 175200.

Allele frequency attached by ClinVar (database versions not stated): gnomAD exomes below 0.00001; ExAC 0.00002; gnomAD 0.00003 and 0.00004; TOPMed 0.00003.

Submissions (13):

Labcorp Genetics (formerly Invitae), Labcorp
Classification: Likely benign for Peutz-Jeghers syndrome. Last evaluated: 2026-01-25. Review status: criteria provided, single submitter. Criteria: Invitae Variant Classification Sherloc (09022015). Collection method: clinical testing. Allele origin: germline.

PreventionGenetics, part of Exact Sciences
Classification: Uncertain significance for STK11-related condition. Last evaluated: 2025-11-15. Review status: criteria provided, single submitter. Criteria: ACMG Guidelines, 2015. Collection method: clinical testing. Allele origin: germline.
Comment: The STK11 c.613G>A variant is predicted to result in the amino acid substitution p.Ala205Thr. This variant was reported in individuals with breast cancer and gastric cancer (Couch et al. 2015. PubMed ID: 25452441; Bhai et al. 2021. PubMed ID: 34326862; Guindalini et al. 2022. PubMed ID: 35264596). This variant is reported in 0.0036% of alleles in individuals of South Asian descent in gnomAD. Functional studies suggest this variant may disrupt STK11 protein function (Qiu et al. 2006. PubMed ID: 16407837). This variant has conflicting classifications in ClinVar ranging from likely benign to uncertain (Variation ID: 182909). At this time, the clinical significance of this variant is uncertain due to the absence of conclusive functional and genetic evidence.

Color Diagnostics, LLC DBA Color Health
Classification: Uncertain significance for Hereditary cancer-predisposing syndrome. Last evaluated: 2024-11-18. Review status: criteria provided, single submitter. Criteria: ACMG Guidelines, 2015. Collection method: clinical testing. Allele origin: germline.
Comment: This missense variant replaces alanine with threonine at codon 205 of the STK11 protein. Computational prediction suggests that this variant may not impact protein structure and function. Experimental studies of STK11 kinase actiivty and complex formation have reported conflicting results for this variant (PMID: 16407837, 19892943). This variant has been reported in individuals affected with breast cancer (PMID: 25452441), but has not been observed in individuals wth Peutz-Jegher syndrome. This variant has been identified in 1/209624 chromosomes in the general population by the Genome Aggregation Database (gnomAD). The available evidence is insufficient to determine the role of this variant in disease conclusively. Therefore, this variant is classified as a Variant of Uncertain Significance.

All of Us Research Program, National Institutes of Health
Classification: Uncertain significance for Peutz-Jeghers syndrome. Last evaluated: 2024-09-27. Review status: criteria provided, single submitter. Criteria: ACMG Guidelines, 2015. Collection method: clinical testing. Allele origin: germline. Inheritance: Autosomal dominant inheritance. Observed: 9 variant alleles, 9 heterozygotes.
Comment: This missense variant replaces alanine with threonine at codon 205 of the STK11 protein. Computational prediction tool suggests that this variant may not impact protein structure and function (internally defined REVEL score threshold <=0.5, PMID: 27666373). Splice site prediction tools suggest that this variant may not impact RNA splicing. A functional study has shown that this variant results in significant decrease of kinase activity and ability to suppress cell growth (PMID: 16407837). This variant has been reported in an individual affected with breast cancer (PMID: 25452441). This variant has been identified in 1/209624 chromosomes in the general population by the Genome Aggregation Database (gnomAD). The available evidence is insufficient to determine the role of this variant in disease conclusively. Therefore, this variant is classified as a Variant of Uncertain Significance.

This study involves interpretation of variants in research participants for the purpose of population health screening. Participant phenotype was not available at the time of variant classification. Additional details can be found in publication PMID: 35346344, PMCID: PMC8962531

Quest Diagnostics Nichols Institute San Juan Capistrano
Classification: Uncertain significance. Last evaluated: 2024-01-18. Review status: criteria provided, single submitter. Criteria: Quest Diagnostics criteria. Collection method: clinical testing. Allele origin: unknown.
Comment: The STK11 c.613G>A (p.Ala205Thr) variant has been reported in the published literature in in individuals with breast cancer (PMID: 25452441 (2015), 33471991 (2021), 35264596 (2022), see also LOVD) and gastric cancer (PMID: 34326862 (2021)). Experimental evidence regarding the effect of this variant on protein function is conflicting (PMID: 16407837 (2006), 19892943 (2009)). The frequency of this variant in the general population, 0.0000048 (1/209624 chromosomes (Genome Aggregation Database)), is uninformative in the assessment of its pathogenicity. Analysis of this variant using bioinformatics tools for the prediction of the effect of amino acid changes on protein structure and function yielded conflicting predictions that this variant is benign or damaging. Based on the available information, we are unable to determine the clinical significance of this variant.

Baylor Genetics
Classification: Uncertain significance for Melanoma, cutaneous malignant, susceptibility to, 1. Last evaluated: 2023-06-20. Review status: criteria provided, single submitter. Criteria: ACMG Guidelines, 2015. Collection method: clinical testing. Allele origin: unknown.

Myriad Genetics, Inc.
Classification: Uncertain significance for Peutz-Jeghers syndrome. Last evaluated: 2023-04-13. Review status: criteria provided, single submitter. Criteria: Myriad Autosomal Dominant, Autosomal Recessive and X-Linked Classification Criteria (2023). Collection method: clinical testing. Allele origin: unknown.
Comment: This variant is classified as a variant of uncertain significance as there is insufficient evidence to determine its impact on protein function and/or cancer risk.

Genome-Nilou Lab
Classification: Uncertain significance for Peutz-Jeghers syndrome. Last evaluated: 2021-07-15. Review status: criteria provided, single submitter. Criteria: ACMG Guidelines, 2015. Collection method: clinical testing. Allele origin: germline. Affected: no.

Ambry Genetics
Classification: Likely benign for Hereditary cancer-predisposing syndrome. Last evaluated: 2020-03-20. Review status: criteria provided, single submitter. Criteria: Ambry Variant Classification Scheme 2023. Collection method: clinical testing. Allele origin: germline.

Mendelics
Classification: Uncertain significance for Peutz-Jeghers syndrome. Last evaluated: 2018-07-02. Review status: criteria provided, single submitter. Criteria: Mendelics Assertion Criteria 2017. Collection method: clinical testing. Allele origin: unknown.

Institute for Biomarker Research, Medical Diagnostic Laboratories, L.L.C.
Classification: Uncertain significance for Hereditary cancer-predisposing syndrome. Last evaluated: 2017-07-12. Review status: criteria provided, single submitter. Criteria: ACMG Guidelines, 2015. Collection method: clinical testing. Allele origin: germline.

GeneDx
Classification: Uncertain significance. Last evaluated: 2016-11-08. Review status: criteria provided, single submitter. Criteria: GeneDx Variant Classification (06012015). Collection method: clinical testing. Allele origin: germline. Affected: yes.
Comment: This variant is denoted STK11 c.613G>A at the cDNA level, p.Ala205Thr (A205T) at the protein level, and results in the change of an Alanine to a Threonine (GCG>ACG). This variant was observed in at least one woman with triple negative breast cancer (Couch 2015). In a functional study on a head/neck squamous cell carcinoma cell line, this variant impaired the ability of STK11 to suppress cell growth and to decrease kinase activity (Qui 2006). STK11 Ala205Thr was not observed in approximately 6,500 individuals of European and African American ancestry in the NHLBI Exome Sequencing Project, indicating it is not a common benign variant in these populations. Since Alanine and Threonine differ in polarity, charge, size or other properties, this is considered a non-conservative amino acid substitution. STK11 Ala205Thr occurs at a position that is conserved across species and is located in the protein kinase domain (Hearle 2006). In silico analyses are inconsistent regarding the effect this variant may have on protein structure and function. Based on currently available information, it is unclear whether STK11 Ala205Thr is pathogenic or benign. We consider it to be a variant of uncertain significance.

Counsyl
Classification: Uncertain significance for Peutz-Jeghers syndrome. Last evaluated: 2017-02-03. Review status: no assertion criteria provided. Collection method: clinical testing. Allele origin: unknown. Not counted in ClinVar's aggregate classification.

Literature cited by the submitters: PubMed 16407837 (cited by 5 submitters); PubMed 19892943 (cited by 4 submitters); PubMed 25452441 (cited by 4 submitters); PubMed 33471991 (cited by Quest Diagnostics Nichols Institute San Juan Capistrano); PubMed 34326862 (cited by Quest Diagnostics Nichols Institute San Juan Capistrano); PubMed 35264596 (cited by Quest Diagnostics Nichols Institute San Juan Capistrano).

NM_000455.5(STK11):c.613G>A (p.Ala205Thr)

Gene: STK11 (serine/threonine kinase 11; plus strand). Cytogenetic location: 19p13.3.
Variant type: single nucleotide variant.
Coding change: c.613G>A on transcript NM_000455.5 (MANE Select); coding-DNA position 613, G replaced by A.
Protein change: p.Ala205Thr; replaces alanine 205 with threonine.
Molecular consequence: missense variant.
Genome position (GRCh38, 1-based): chr19:1,220,596, G>A. VCF-style: chr19-1220596-G-A. GRCh37 (hg19) VCF-style: chr19-1220595-G-A.
Other names: p.A205T:GCG>ACG; short protein forms A205T.
Identifiers: ClinVar variation 182909 (VCV000182909.32), dbSNP rs730881981, ClinGen allele CA023146.
Genomic context (GRCh38, chr19:1,220,596, plus strand): 5'-GCCCCCTCCCGGGCACTCCCTGAGGGCTGCACGGCACCGCCACAGGCACTGCACCCGTTC[G>A]CGGCGGACGACACCTGCCGGACCAGCCAGGGCTCCCCGGCTTTCCAGCCGCCCGAGATTG-3'
Protein context (NP_000446.1, residues 195-215): LGVAEALHPF[Ala205Thr]ADDTCRTSQG